The following is an entry in ClinVar:

NM_000492.4(CFTR):c.3367+1G>A

Genes: CFTR (CF transmembrane conductance regulator; plus strand), CFTR-AS2 (CFTR antisense RNA 2; minus strand), LOC111674472 (DNase I hypersensitive sites in introns 16 and 17a of CFTR; plus strand). Cytogenetic location: 7q31.2.
Variant type: single nucleotide variant.
Coding change: c.3367+1G>A on transcript NM_000492.4 (MANE Select); the canonical splice donor site of the intron after coding-DNA position 3367, G replaced by A.
Molecular consequence: splice donor variant.
Genome position (GRCh38, 1-based): chr7:117,611,809, G>A. VCF-style: chr7-117611809-G-A. GRCh37 (hg19) VCF-style: chr7-117251863-G-A.
Identifiers: ClinVar variation 618936 (VCV000618936.10), dbSNP rs1470125842, ClinGen allele CA368992637.

ClinVar aggregate classification (germline): Pathogenic/Likely pathogenic. Review status: criteria provided, multiple submitters, no conflicts (2 of 4 stars). 5 submissions from 5 submitters: Pathogenic (3); Likely pathogenic (2). Last evaluated 2025-08-04.

Conditions:
Cystic fibrosis (CF). Also called: MUCOVISCIDOSIS. Identifiers: Orphanet 586, MedGen C0010674, MONDO:0009061, OMIM 219700. Disease mechanism: loss of function.
CFTR-related disorder (CFTR-RD). Also called: CFTR-related disorders; CFTR-related condition. Identifiers: MedGen C5924204, MONDO:7770004.

Allele frequency attached by ClinVar (database versions not stated): gnomAD exomes below 0.00001.
gnomAD v4.1: 1 of 1,599,416 alleles (0.000063%); no homozygotes.

Submissions (5):

Women's Health and Genetics/Laboratory Corporation of America, LabCorp
Classification: Pathogenic for Cystic fibrosis. Last evaluated: 2025-08-04. Review status: criteria provided, single submitter. Criteria: LabCorp Variant Classification Summary - May 2015. Collection method: clinical testing. Allele origin: germline.
Comment: Variant summary: CFTR c.3367+1G>A is located in a canonical splice-site and is predicted to affect mRNA splicing resulting in a significantly altered protein due to either exon skipping, shortening, or inclusion of intronic material. Variants that disrupt the consensus splice site are a relatively common cause of aberrant splicing and loss of CFTR function. Several computational tools predict a significant impact on normal splicing: Three predict the variant abolishes a canonical 5' splicing donor site. However, these predictions have yet to be confirmed by functional studies. The variant allele was found at a frequency of 4e-06 in 249524 control chromosomes. c.3367+1G>A has been observed in individual(s) affected with Cystic Fibrosis (Da Silva_2021, Sala_2021, internal data). These data indicate that the variant may be associated with disease. The following publications have been ascertained in the context of this evaluation (PMID: 32819855, 33495079). ClinVar contains an entry for this variant (Variation ID: 618936). Based on the evidence outlined above, the variant was classified as pathogenic.

Natera, Inc.
Classification: Likely pathogenic for CFTR-related disorders. Last evaluated: 2025-06-25. Review status: criteria provided, single submitter. Criteria: Natera Variant Classification Schema (03/2026). Collection method: clinical testing. Allele origin: germline.
Comment: The c.3367+1G>A variant in CFTR is a canonical splice donor site variant predicted to affect pre-mRNA splicing, which may result in an abnormal transcript and altered protein product. This variant is expected to result in nonsense mediated decay, truncation, or a dysfunctional protein product. This variant is rare in the general population with a frequency below the threshold expected for the associated phenotype(s). This variant has been observed in one or more individuals affected with the associated recessive disease, as either homozygous or compound heterozygous with a second variant (PMID: 33495079). Given the available evidence, this variant is classified as Likely Pathogenic.

Labcorp Genetics (formerly Invitae), Labcorp
Classification: Pathogenic for Cystic fibrosis. Last evaluated: 2025-01-06. Review status: criteria provided, single submitter. Criteria: Invitae Variant Classification Sherloc (09022015). Collection method: clinical testing. Allele origin: germline.
Comment: This sequence change affects a donor splice site in intron 20 of the CFTR gene. It is expected to disrupt RNA splicing. Variants that disrupt the donor or acceptor splice site typically lead to a loss of protein function (PMID: 16199547), and loss-of-function variants in CFTR are known to be pathogenic (PMID: 1695717, 7691345, 9725922). This variant is present in population databases (no rsID available, gnomAD 0.01%). Disruption of this splice site has been observed in individuals with cystic fibrosis (PMID: 32819855, 33495079; internal data). This variant is also known as 3499+1G>A. ClinVar contains an entry for this variant (Variation ID: 618936). Algorithms developed to predict the effect of sequence changes on RNA splicing suggest that this variant may disrupt the consensus splice site. For these reasons, this variant has been classified as Pathogenic.

Ambry Genetics
Classification: Likely pathogenic for Cystic fibrosis. Last evaluated: 2023-10-30. Review status: criteria provided, single submitter. Criteria: Ambry Variant Classification Scheme 2023. Collection method: clinical testing. Allele origin: germline.
Comment: The c.3367+1G>A intronic variant (also known as 3499+1G>A) results from a G to A substitution one nucleotide after coding exon 20 of the CFTR gene. Alterations that disrupt the canonical splice site are expected to result in aberrant splicing. In silico splice site analysis predicts that this alteration will weaken the native splice donor site. The resulting transcript is predicted to be in-frame and is not expected to trigger nonsense-mediated mRNAdecay; however, direct evidence is unavailable. The exact functional effect of the altered amino acid sequence is unknown; however, the impacted region is critical for protein function (Ambry internal data). This variant is considered to be rare based on population cohorts in the Genome Aggregation Database (gnomAD). This nucleotide position is highly conserved in available vertebrate species. Based on the majority of available evidence to date, this variant is likely to be pathogenic.

Mendelics
Classification: Pathogenic for Cystic fibrosis. Last evaluated: 2018-11-05. Review status: criteria provided, single submitter. Criteria: Mendelics Assertion Criteria 2017. Collection method: clinical testing. Allele origin: unknown. Affected: yes.

Literature cited by the submitters: PubMed 32819855 (cited by Women's Health and Genetics/Laboratory Corporation of America, LabCorp and Labcorp Genetics (formerly Invitae), Labcorp); PubMed 33495079 (cited by 3 submitters); PubMed 16199547 (cited by Labcorp Genetics (formerly Invitae), Labcorp); PubMed 1695717 (cited by Labcorp Genetics (formerly Invitae), Labcorp); PubMed 7691345 (cited by Labcorp Genetics (formerly Invitae), Labcorp); PubMed 9725922 (cited by Labcorp Genetics (formerly Invitae), Labcorp).